The following is an entry in ClinVar:

ClinVar aggregate classification (germline): Likely benign (1 of 4 stars; one submission).

gnomAD v4.1: 6 of 1,110,646 alleles (0.00054%); highest among the groups gnomAD compares: Non-Finnish European, 0.00072%; no homozygotes.

Submission:

CeGaT Center for Human Genetics Tuebingen
Classification: Likely benign. Last evaluated: 2026-01-01. Review status: criteria provided, single submitter. Criteria: CeGaT Center For Human Genetics Tuebingen Variant Classification Criteria Version 2. Collection method: clinical testing. Allele origin: germline. Affected: yes. Observed: 1 variant allele.
Comment: CUL4B: BS2

NM_001079872.2(CUL4B):c.556+266T>C

Gene: CUL4B (cullin 4B; minus strand). Cytogenetic location: Xq24.
Variant type: single nucleotide variant.
Coding change: c.556+266T>C on transcript NM_001079872.2 (MANE Select); 266 bases into the intron after coding-DNA position 556, T replaced by C.
Molecular consequence: intron variant. On other transcripts: 5 prime UTR variant (1).
Genome position (GRCh38, 1-based): chrX:120,559,817, A>G on the plus strand (T>C on the coding strand, the complement: CUL4B is on the minus strand). VCF-style: chrX-120559817-A-G. GRCh37 (hg19) VCF-style: chrX-119693672-A-G.
Other names: c.-17T>C (NM_001369145.1); c.610+266T>C (NM_003588.4); c.571+266T>C (NM_001330624.2).
Identifiers: ClinVar variation 4822880 (VCV004822880.4).
Genomic context (GRCh38, chrX:120,559,817, plus strand): 5'-CTTTAGAATACAAATTTCTCACCTGCAAAATCCGGATCAATCATACCGATTGTCAGTGTT[A>G]TAAGGAATAACAGATTAAATACAATAGGTTGAAAAAGACCTCAAAATACTGCACAGAAAC-3'